The following is an entry in ClinVar:

NM_001128840.3(CACNA1D):c.2474-16A>G

Gene: CACNA1D (calcium voltage-gated channel subunit alpha1 D; plus strand). Cytogenetic location: 3p21.1.
Variant type: single nucleotide variant.
Coding change: c.2474-16A>G on transcript NM_001128840.3 (MANE Select); 16 bases into the intron before coding-DNA position 2474, A replaced by G.
Molecular consequence: intron variant.
Genome position (GRCh38, 1-based): chr3:53,732,799, A>G. VCF-style: chr3-53732799-A-G. GRCh37 (hg19) VCF-style: chr3-53766826-A-G.
Other names: c.2474-16A>G (NM_001128839.3); c.2534-16A>G (NM_000720.4).
Identifiers: ClinVar variation 3606662 (VCV003606662.2).

ClinVar aggregate classification (germline): Uncertain significance (1 of 4 stars; one submission).

Submission:

Labcorp Genetics (formerly Invitae), Labcorp
Classification: Uncertain significance. Last evaluated: 2024-05-21. Review status: criteria provided, single submitter. Criteria: Invitae Variant Classification Sherloc (09022015). Collection method: clinical testing. Allele origin: germline.
Comment: This sequence change falls in intron 19 of the CACNA1D gene. It does not directly change the encoded amino acid sequence of the CACNA1D protein. This variant is not present in population databases (gnomAD no frequency). This variant has not been reported in the literature in individuals affected with CACNA1D-related conditions. Algorithms developed to predict the effect of sequence changes on RNA splicing suggest that this variant may disrupt the consensus splice site. In summary, the available evidence is currently insufficient to determine the role of this variant in disease. Therefore, it has been classified as a Variant of Uncertain Significance.